The following is an entry in ClinVar:

NM_018990.4(SASH3):c.*802A>G

Gene: SASH3 (SAM and SH3 domain containing 3; plus strand). Cytogenetic location: Xq26.1.
Variant type: single nucleotide variant.
Coding change: c.*802A>G on transcript NM_018990.4 (MANE Select); 802 bases downstream of the stop codon, A replaced by G.
Molecular consequence: 3 prime UTR variant.
Genome position (GRCh38, 1-based): chrX:129,794,634, A>G. VCF-style: chrX-129794634-A-G. GRCh37 (hg19) VCF-style: chrX-128928610-A-G.
Identifiers: ClinVar variation 4538296 (VCV004538296.1).

ClinVar aggregate classification (germline): Uncertain significance (1 of 4 stars; one submission).

Submission:

Greenwood Genetic Center Diagnostic Laboratories, Greenwood Genetic Center
Classification: Uncertain significance. Last evaluated: 2025-06-10. Review status: criteria provided, single submitter. Criteria: ACMG Guidelines, 2015. Collection method: clinical testing. Allele origin: germline. Affected: yes.
Comment: PM2